The following is an entry in ClinVar:

NM_000117.3(EMD):c.266-2A>G

Gene: EMD (emerin; plus strand). Cytogenetic location: Xq28.
Variant type: single nucleotide variant.
Coding change: c.266-2A>G on transcript NM_000117.3 (MANE Select); the canonical splice acceptor site of the intron before coding-DNA position 266, A replaced by G.
Molecular consequence: splice acceptor variant.
Genome position (GRCh38, 1-based): chrX:154,380,232, A>G. VCF-style: chrX-154380232-A-G. GRCh37 (hg19) VCF-style: chrX-153608592-A-G.
Identifiers: ClinVar variation 163403 (VCV000163403.14), dbSNP rs727503036, ClinGen allele CA273149.

ClinVar aggregate classification (germline): Pathogenic. Review status: criteria provided, multiple submitters, no conflicts (2 of 4 stars). 5 submissions from 5 submitters: Pathogenic (5). Last evaluated 2024-08-20.

Conditions:
Neuromuscular disease. Also called: Neuromuscular disorder; Neuromyopathy. Identifiers: Orphanet 68381, MedGen C0027868, MeSH D009468, MONDO:0019056.
Emery-Dreifuss muscular dystrophy (EDMD). Also called: Scapuloperoneal syndrome, X-linked (formerly); Humeroperoneal neuromuscular disease, (formerly). Identifiers: Orphanet 261, MedGen C0410189, MONDO:0016830.
X-linked Emery-Dreifuss muscular dystrophy. Also called: Muscular dystrophy, tardive Emery-Dreifuss type, with contractures. Identifiers: Orphanet 261, Orphanet 98863, MedGen C0751337, MONDO:0010680.

Submissions (5):

Labcorp Genetics (formerly Invitae), Labcorp
Classification: Pathogenic for X-linked Emery-Dreifuss muscular dystrophy. Last evaluated: 2024-08-20. Review status: criteria provided, single submitter. Criteria: Invitae Variant Classification Sherloc (09022015). Collection method: clinical testing. Allele origin: germline.
Comment: This sequence change affects an acceptor splice site in intron 3 of the EMD gene. RNA analysis indicates that disruption of this splice site induces altered splicing and may result in an absent or altered protein product. This variant is not present in population databases (gnomAD no frequency). Disruption of this splice site has been observed in individuals with Emery-Dreifuss muscular dystrophy (PMID: 8595407, 10428430). This variant is also known as A to G at nucleotide position 858. ClinVar contains an entry for this variant (Variation ID: 163403). Studies have shown that disruption of this splice site results in activation of a cryptic splice site, and produces a non-functional protein and/or introduces a premature termination codon (PMID: 10428430). For these reasons, this variant has been classified as Pathogenic.

GeneDx
Classification: Pathogenic. Last evaluated: 2022-03-29. Review status: criteria provided, single submitter. Criteria: GeneDx Variant Classification Process June 2021. Collection method: clinical testing. Allele origin: germline. Affected: yes.
Comment: Canonical splice site variant predicted to result in a null allele in a gene for which loss-of-function is a known mechanism of disease; Not observed in large population cohorts (gnomAD); This variant is associated with the following publications: (PMID: 8595407, 10428430, 1178008, 1998333, 21697856, 7294729, 10382909)

Women's Health and Genetics/Laboratory Corporation of America, LabCorp
Classification: Pathogenic for Emery-Dreifuss muscular dystrophy. Last evaluated: 2020-12-16. Review status: criteria provided, single submitter. Criteria: LabCorp Variant Classification Summary - May 2015. Collection method: clinical testing. Allele origin: germline.
Comment: Variant summary: EMD c.266-2A>G is located in a canonical splice-site and is predicted to affect mRNA splicing resulting in a significantly altered protein due to either exon skipping, shortening, or inclusion of intronic material. Several computational tools predict a significant impact on normal splicing: Three predict the variant abolishes a 3 acceptor site. Four predict the variant creates a 3 acceptor site. Consistent with these predictions, several publications report that this variant affects normal splicing (e.g. Bione_1995, Nevo_1999). In addition, Nevo et al report that the splicing site was shifted back one base pair (bp), which resulted in a one bp insertion shifting of the reading frame and a stop codon after three amino acids (Nevo_1999). The variant was absent in 181283 control chromosomes (gnomAD). c.266-2A>G has been reported in the literature in individuals affected with Emery-Dreifuss Muscular Dystrophy (Bione_1995, Brown_2011, Nevo_1999). These data indicate that the variant is likely to be associated with disease. Nevo et al report absence of Emerin staining in patient samples carrying the variant (Nevo_1999). One ClinVar submitter (evaluation after 2014) cite the variant as pathogenic. Based on the evidence outlined above, the variant was classified as pathogenic.

Eurofins Ntd Llc (ga)
Classification: Pathogenic. Last evaluated: 2018-05-07. Review status: criteria provided, single submitter. Criteria: EGL ClinVar v180209 classification definitions. Collection method: clinical testing. Allele origin: germline. Observed: 5 variant alleles, 1 heterozygote, 4 hemizygotes.

Laboratory for Molecular Medicine, Mass General Brigham Personalized Medicine
Classification: Pathogenic for Neuromuscular disease. Last evaluated: 2010-08-24. Review status: criteria provided, single submitter. Criteria: LMM Criteria. Collection method: clinical testing. Allele origin: germline. Observed: 1 variant allele.

Literature cited by the submitters: PubMed 8595407 (cited by 3 submitters); PubMed 10428430 (cited by 3 submitters); PubMed 21697856 (cited by Women's Health and Genetics/Laboratory Corporation of America, LabCorp); PubMed 10382909 (cited by Laboratory for Molecular Medicine, Mass General Brigham Personalized Medicine); PubMed 1998333 (cited by Laboratory for Molecular Medicine, Mass General Brigham Personalized Medicine); PubMed 1178008 (cited by Laboratory for Molecular Medicine, Mass General Brigham Personalized Medicine); PubMed 7294729 (cited by Laboratory for Molecular Medicine, Mass General Brigham Personalized Medicine).